The following is an entry in ClinVar:

NM_002796.3(PSMB4):c.634G>T (p.Asp212Tyr)

Gene: PSMB4 (proteasome 20S subunit beta 4; plus strand). Cytogenetic location: 1q21.3.
Variant type: single nucleotide variant.
Coding change: c.634G>T on transcript NM_002796.3 (MANE Select); coding-DNA position 634, G replaced by T.
Protein change: p.Asp212Tyr; replaces aspartic acid 212 with tyrosine.
Molecular consequence: missense variant.
Genome position (GRCh38, 1-based): chr1:151,401,296, G>T. VCF-style: chr1-151401296-G-T. GRCh37 (hg19) VCF-style: chr1-151373772-G-T.
Other names: short protein forms D212Y.
Identifiers: ClinVar variation 1897066 (VCV001897066.7), dbSNP rs780019985, ClinGen allele CA1090733.

ClinVar aggregate classification (germline): Uncertain significance. Review status: criteria provided, multiple submitters, no conflicts (2 of 4 stars). 2 submissions from 2 submitters: Uncertain significance (2). Last evaluated 2025-10-21.

gnomAD v4.1: 6 of 1,614,006 alleles (0.00037%); highest among the groups gnomAD compares: Admixed American, 0.005%; no homozygotes.

Submissions (2):

Labcorp Genetics (formerly Invitae), Labcorp
Classification: Uncertain significance. Last evaluated: 2025-10-21. Review status: criteria provided, single submitter. Criteria: Invitae Variant Classification Sherloc (09022015). Collection method: clinical testing. Allele origin: germline.
Comment: This sequence change replaces aspartic acid, which is acidic and polar, with tyrosine, which is neutral and polar, at codon 212 of the PSMB4 protein (p.Asp212Tyr). This variant is present in population databases (rs780019985, gnomAD 0.009%). This variant has not been reported in the literature in individuals affected with PSMB4-related conditions. ClinVar contains an entry for this variant (Variation ID: 1897066). An algorithm developed to predict the effect of missense changes on protein structure and function (PolyPhen-2) suggests that this variant is likely to be tolerated. In summary, the available evidence is currently insufficient to determine the role of this variant in disease. Therefore, it has been classified as a Variant of Uncertain Significance.

Ambry Genetics
Classification: Uncertain significance. Last evaluated: 2024-07-23. Review status: criteria provided, single submitter. Criteria: Ambry Variant Classification Scheme 2023. Collection method: clinical testing. Allele origin: germline.